The following is an entry in ClinVar:

NM_000297.4(PKD2):c.932A>G (p.Tyr311Cys)

Gene: PKD2 (polycystin 2, transient receptor potential cation channel; plus strand). Cytogenetic location: 4q22.1.
Variant type: single nucleotide variant.
Coding change: c.932A>G on transcript NM_000297.4 (MANE Select); coding-DNA position 932, A replaced by G.
Protein change: p.Tyr311Cys; replaces tyrosine 311 with cysteine.
Molecular consequence: missense variant. On other transcripts: non-coding transcript variant (1).
Genome position (GRCh38, 1-based): chr4:88,038,339, A>G. VCF-style: chr4-88038339-A-G. GRCh37 (hg19) VCF-style: chr4-88959491-A-G.
Other names: c.932A>G (NM_000297.3); short protein forms Y311C.
Identifiers: ClinVar variation 2157370 (VCV002157370.5), dbSNP rs1423208091, ClinGen allele CA357632696.
Genomic context (GRCh38, chr4:88,038,339, plus strand): 5'-TGTACTGGAAGATGCAGCCCAGCAACCAGACTGAAGCTGACAACCGAAGTTTCATCTTCT[A>G]TGAGAACCTGCTGTTAGGGGTTCCACGAATACGGCAACTCCGAGTCAGAAATGGATCCTG-3'
Protein context (NP_000288.1, residues 301-321): TEADNRSFIF[Tyr311Cys]ENLLLGVPRI

ClinVar aggregate classification (germline): Uncertain significance. Review status: criteria provided, multiple submitters, no conflicts (2 of 4 stars). 2 submissions from 2 submitters: Uncertain significance (2). Last evaluated 2025-04-27.

Conditions:
Autosomal dominant polycystic kidney disease. Identifiers: Orphanet 730, MedGen C0085413, MONDO:0004691.
Inborn genetic diseases. Identifiers: MedGen C0950123, MeSH D030342.

Allele frequency attached by ClinVar (database versions not stated): gnomAD exomes 0.00001; gnomAD 0.00002; TOPMed 0.00002.

Submissions (2):

Labcorp Genetics (formerly Invitae), Labcorp
Classification: Uncertain significance for Autosomal dominant polycystic kidney disease. Last evaluated: 2025-04-27. Review status: criteria provided, single submitter. Criteria: Invitae Variant Classification Sherloc (09022015). Collection method: clinical testing. Allele origin: germline.
Comment: This sequence change replaces tyrosine, which is neutral and polar, with cysteine, which is neutral and slightly polar, at codon 311 of the PKD2 protein (p.Tyr311Cys). This variant is present in population databases (no rsID available, gnomAD 0.007%). This variant has not been reported in the literature in individuals affected with PKD2-related conditions. ClinVar contains an entry for this variant (Variation ID: 2157370). Invitae Evidence Modeling of protein sequence and biophysical properties (such as structural, functional, and spatial information, amino acid conservation, physicochemical variation, residue mobility, and thermodynamic stability) indicates that this missense variant is expected to disrupt PKD2 protein function with a positive predictive value of 80%. In summary, the available evidence is currently insufficient to determine the role of this variant in disease. Therefore, it has been classified as a Variant of Uncertain Significance.

Ambry Genetics
Classification: Uncertain significance for Inborn genetic diseases. Last evaluated: 2024-08-27. Review status: criteria provided, single submitter. Criteria: Ambry Variant Classification Scheme 2023. Collection method: clinical testing. Allele origin: germline.